The following is an entry in ClinVar:

NM_001367721.1(CASK):c.791G>A (p.Arg264Lys)

Gene: CASK (calcium/calmodulin dependent serine protein kinase; minus strand). Cytogenetic location: Xp11.4.
Variant type: single nucleotide variant.
Coding change: c.791G>A on transcript NM_001367721.1 (MANE Select); coding-DNA position 791, G replaced by A.
Protein change: p.Arg264Lys; replaces arginine 264 with lysine.
Molecular consequence: missense variant.
Genome position (GRCh38, 1-based): chrX:41,660,479, C>T on the plus strand (G>A on the coding strand, the complement: CASK is on the minus strand). VCF-style: chrX-41660479-C-T. GRCh37 (hg19) VCF-style: chrX-41519732-C-T.
Other names: c.791G>A, p.Arg264Lys (NM_001126054.3, NM_001126055.3, NM_001410745.1 and 1 more transcripts); short protein forms R264K.
Identifiers: ClinVar variation 3383449 (VCV003383449.3).

ClinVar aggregate classification (germline): Conflicting classifications of pathogenicity. Review status: criteria provided, conflicting classifications (1 of 4 stars). 2 submissions from 2 submitters: Pathogenic (1); Uncertain significance (1). Last evaluated 2024-08-29.

Conditions:
Intellectual disability, CASK-related, X-linked. Identifiers: MedGen CN043158.

Submissions (2):

Labcorp Genetics (formerly Invitae), Labcorp
Classification: Uncertain significance for Intellectual disability, CASK-related, X-linked. Last evaluated: 2024-08-29. Review status: criteria provided, single submitter. Criteria: Invitae Variant Classification Sherloc (09022015). Collection method: clinical testing. Allele origin: germline.
Comment: This sequence change replaces arginine, which is basic and polar, with lysine, which is basic and polar, at codon 264 of the CASK protein (p.Arg264Lys). This variant is not present in population databases (gnomAD no frequency). This missense change has been observed in individual(s) with CASK-related conditions (PMID: 36137748). Invitae Evidence Modeling of protein sequence and biophysical properties (such as structural, functional, and spatial information, amino acid conservation, physicochemical variation, residue mobility, and thermodynamic stability) has been performed for this missense variant. However, the output from this modeling did not meet the statistical confidence thresholds required to predict the impact of this variant on CASK protein function. Experimental studies have shown that this missense change affects CASK function (PMID: 36137748). In summary, the available evidence is currently insufficient to determine the role of this variant in disease. Therefore, it has been classified as a Variant of Uncertain Significance.

GeneDx
Classification: Pathogenic. Last evaluated: 2024-05-28. Review status: criteria provided, single submitter. Criteria: GeneDx Variant Classification Process June 2021. Collection method: clinical testing. Allele origin: germline. Affected: yes.
Comment: Observed in hemizygous state in patients with features of CASK-related disorder referred for genetic testing at GeneDx and in the published literature and not observed in hemizygous state in controls (PMID: 36137748); Published functional studies demonstrate a damaging effect (PMID: 36137748); Not observed at significant frequency in large population cohorts (gnomAD); In silico analysis supports that this missense variant has a deleterious effect on protein structure/function; This variant is associated with the following publications: (PMID: 36137748)

Literature cited by the submitters: PubMed 36137748 (cited by Labcorp Genetics (formerly Invitae), Labcorp).